The following is an entry in ClinVar:

NM_001370466.1(NOD2):c.1360G>A (p.Gly454Ser)

Gene: NOD2 (nucleotide binding oligomerization domain containing 2; plus strand). Cytogenetic location: 16q12.1.
Variant type: single nucleotide variant.
Coding change: c.1360G>A on transcript NM_001370466.1 (MANE Select); coding-DNA position 1360, G replaced by A.
Protein change: p.Gly454Ser; replaces glycine 454 with serine.
Molecular consequence: missense variant. On other transcripts: non-coding transcript variant (1).
Genome position (GRCh38, 1-based): chr16:50,711,352, G>A. VCF-style: chr16-50711352-G-A. GRCh37 (hg19) VCF-style: chr16-50745263-G-A.
Other names: c.1360G>A, p.Gly454Ser (NM_001293557.2); c.1441G>A, p.Gly481Ser (NM_022162.3); short protein forms G481S, G454S.
Identifiers: ClinVar variation 2939629 (VCV002939629.3), dbSNP rs950076475, ClinGen allele CA281262728.

ClinVar aggregate classification (germline): Uncertain significance (1 of 4 stars; one submission).

Conditions:
Regional enteritis. Also called: Enteritis, Granulomatous. Identifiers: MedGen C0678202, MeSH D003424.
Blau syndrome (BLAUS). Also called: ARTHROCUTANEOUVEAL GRANULOMATOSIS; GRANULOMATOSIS, FAMILIAL JUVENILE SYSTEMIC; GRANULOMATOSIS, FAMILIAL, BLAU TYPE; GRANULOMATOUS INFLAMMATORY ARTHRITIS, DERMATITIS, AND UVEITIS, FAMILIAL; JABS SYNDROME. Identifiers: Orphanet 90340, MedGen C5201146, MONDO:0008523, OMIM 186580.

Allele frequency attached by ClinVar (database versions not stated): gnomAD exomes 0.00001.
gnomAD v4.1: 4 of 1,613,588 alleles (0.00025%); highest among the groups gnomAD compares: Middle Eastern, 0.016%; no homozygotes.

Submission:

Labcorp Genetics (formerly Invitae), Labcorp
Classification: Uncertain significance for Regional enteritis; Blau syndrome. Last evaluated: 2023-09-08. Review status: criteria provided, single submitter. Criteria: Invitae Variant Classification Sherloc (09022015). Collection method: clinical testing. Allele origin: germline.
Comment: This sequence change replaces glycine, which is neutral and non-polar, with serine, which is neutral and polar, at codon 481 of the NOD2 protein (p.Gly481Ser). In summary, the available evidence is currently insufficient to determine the role of this variant in disease. Therefore, it has been classified as a Variant of Uncertain Significance. Advanced modeling of protein sequence and biophysical properties (such as structural, functional, and spatial information, amino acid conservation, physicochemical variation, residue mobility, and thermodynamic stability) performed at Invitae indicates that this missense variant is not expected to disrupt NOD2 protein function. This variant has not been reported in the literature in individuals affected with NOD2-related conditions. This variant is not present in population databases (gnomAD no frequency).